The following is an entry in ClinVar:

NM_053025.4(MYLK):c.2780C>T (p.Ala927Val)

Gene: MYLK (myosin light chain kinase; minus strand). Cytogenetic location: 3q21.1.
Variant type: single nucleotide variant.
Coding change: c.2780C>T on transcript NM_053025.4 (MANE Select); coding-DNA position 2780, C replaced by T.
Protein change: p.Ala927Val; replaces alanine 927 with valine.
Molecular consequence: missense variant.
Genome position (GRCh38, 1-based): chr3:123,700,688, G>A on the plus strand (C>T on the coding strand, the complement: MYLK is on the minus strand). VCF-style: chr3-123700688-G-A. GRCh37 (hg19) VCF-style: chr3-123419535-G-A.
Other names: c.2252C>T, p.Ala751Val (NM_001321309.2); c.2573C>T, p.Ala858Val (NM_053026.4, NM_053028.4); c.2780C>T, p.Ala927Val (NM_053027.4); short protein forms A751V, A858V, A927V.
Identifiers: ClinVar variation 2882867 (VCV002882867.3), dbSNP rs2474181698, ClinGen allele CA354231380.

ClinVar aggregate classification (germline): Uncertain significance (1 of 4 stars; one submission).

Conditions:
Aortic aneurysm, familial thoracic 7 (AAT7). Also called: AORTIC DISSECTION, FAMILIAL, WITH OR WITHOUT AORTIC ANEURYSM. Identifiers: MedGen C3151077, MONDO:0013418, OMIM 613780.

Allele frequency attached by ClinVar (database versions not stated): gnomAD exomes below 0.00001.

Submission:

Labcorp Genetics (formerly Invitae), Labcorp
Classification: Uncertain significance for Aortic aneurysm, familial thoracic 7. Last evaluated: 2025-01-17. Review status: criteria provided, single submitter. Criteria: Invitae Variant Classification Sherloc (09022015). Collection method: clinical testing. Allele origin: germline.
Comment: This sequence change replaces alanine, which is neutral and non-polar, with valine, which is neutral and non-polar, at codon 927 of the MYLK protein (p.Ala927Val). This variant is not present in population databases (gnomAD no frequency). This variant has not been reported in the literature in individuals affected with MYLK-related conditions. ClinVar contains an entry for this variant (Variation ID: 2882867). Invitae Evidence Modeling of protein sequence and biophysical properties (such as structural, functional, and spatial information, amino acid conservation, physicochemical variation, residue mobility, and thermodynamic stability) indicates that this missense variant is not expected to disrupt MYLK protein function with a negative predictive value of 80%. In summary, the available evidence is currently insufficient to determine the role of this variant in disease. Therefore, it has been classified as a Variant of Uncertain Significance.